The following is an entry in ClinVar:

ClinVar aggregate classification (germline): Conflicting classifications of pathogenicity. Review status: criteria provided, conflicting classifications (1 of 4 stars). 2 submissions from 2 submitters: Uncertain significance (1); Likely benign (1). Last evaluated 2025-04-18.

Conditions:
Inborn genetic diseases. Identifiers: MedGen C0950123, MeSH D030342.
Spastic paraplegia. Identifiers: MedGen C0037772, HP:0001258.

gnomAD v4.1: 10 of 1,210,027 alleles (0.00083%); highest among the groups gnomAD compares: African/African-American, 0.0069%; no homozygotes.

Submissions (2):

Labcorp Genetics (formerly Invitae), Labcorp
Classification: Uncertain significance for Spastic paraplegia. Last evaluated: 2025-04-18. Review status: criteria provided, single submitter. Criteria: Invitae Variant Classification Sherloc (09022015). Collection method: clinical testing. Allele origin: germline.
Comment: This sequence change replaces proline, which is neutral and non-polar, with leucine, which is neutral and non-polar, at codon 1231 of the KDM5C protein (p.Pro1231Leu). This variant is not present in population databases (gnomAD no frequency). This variant has not been reported in the literature in individuals affected with KDM5C-related conditions. ClinVar contains an entry for this variant (Variation ID: 3703996). Invitae Evidence Modeling of protein sequence and biophysical properties (such as structural, functional, and spatial information, amino acid conservation, physicochemical variation, residue mobility, and thermodynamic stability) indicates that this missense variant is not expected to disrupt KDM5C protein function with a negative predictive value of 95%. In summary, the available evidence is currently insufficient to determine the role of this variant in disease. Therefore, it has been classified as a Variant of Uncertain Significance.

Ambry Genetics
Classification: Likely benign for Inborn genetic diseases. Last evaluated: 2025-04-16. Review status: criteria provided, single submitter. Criteria: Ambry Variant Classification Scheme 2023. Collection method: clinical testing. Allele origin: germline.

NM_004187.5(KDM5C):c.3692C>T (p.Pro1231Leu)

Gene: KDM5C (lysine demethylase 5C; minus strand). Cytogenetic location: Xp11.22.
Variant type: single nucleotide variant.
Coding change: c.3692C>T on transcript NM_004187.5 (MANE Select); coding-DNA position 3692, C replaced by T.
Protein change: p.Pro1231Leu; replaces proline 1231 with leucine.
Molecular consequence: missense variant. On other transcripts: non-coding transcript variant (3).
Genome position (GRCh38, 1-based): chrX:53,194,485, G>A on the plus strand (C>T on the coding strand, the complement: KDM5C is on the minus strand). VCF-style: chrX-53194485-G-A. GRCh37 (hg19) VCF-style: chrX-53223667-G-A.
Other names: c.3491C>T, p.Pro1164Leu (NM_001146702.2); c.3689C>T, p.Pro1230Leu (NM_001282622.3, NM_001353979.2, NM_001353982.2); c.3692C>T, p.Pro1231Leu (NM_001353978.3, NM_001353981.2, NM_001353984.2); c.3692C>T (NM_004187.3); short protein forms P1231L, P1164L, P1230L.
Identifiers: ClinVar variation 3703996 (VCV003703996.3).